The following is an entry in ClinVar:

ClinVar aggregate classification (germline): Uncertain significance (1 of 4 stars; one submission).

gnomAD v4.1: 24 of 1,614,012 alleles (0.0015%); highest among the groups gnomAD compares: Non-Finnish European, 0.002%; no homozygotes.

Submission:

Labcorp Genetics (formerly Invitae), Labcorp
Classification: Uncertain significance. Last evaluated: 2024-04-16. Review status: criteria provided, single submitter. Criteria: Invitae Variant Classification Sherloc (09022015). Collection method: clinical testing. Allele origin: germline.
Comment: This sequence change replaces arginine, which is basic and polar, with leucine, which is neutral and non-polar, at codon 583 of the CLCN6 protein (p.Arg583Leu). This variant is not present in population databases (gnomAD no frequency). This variant has not been reported in the literature in individuals affected with CLCN6-related conditions. An algorithm developed to predict the effect of missense changes on protein structure and function (PolyPhen-2) suggests that this variant is likely to be tolerated. In summary, the available evidence is currently insufficient to determine the role of this variant in disease. Therefore, it has been classified as a Variant of Uncertain Significance.

NM_001286.5(CLCN6):c.1748G>T (p.Arg583Leu)

Gene: CLCN6 (chloride voltage-gated channel 6; plus strand). Cytogenetic location: 1p36.22.
Variant type: single nucleotide variant.
Coding change: c.1748G>T on transcript NM_001286.5 (MANE Select); coding-DNA position 1748, G replaced by T.
Protein change: p.Arg583Leu; replaces arginine 583 with leucine.
Molecular consequence: missense variant. On other transcripts: non-coding transcript variant (1).
Genome position (GRCh38, 1-based): chr1:11,834,545, G>T. VCF-style: chr1-11834545-G-T. GRCh37 (hg19) VCF-style: chr1-11894602-G-T.
Other names: c.1682G>T, p.Arg561Leu (NM_001256959.2); short protein forms R561L, R583L.
Identifiers: ClinVar variation 3620053 (VCV003620053.2).